The following is an entry in ClinVar:

NM_006736.6(DNAJB2):c.819C>T (p.Pro273=)

Gene: DNAJB2 (DnaJ heat shock protein family (Hsp40) member B2; plus strand). Cytogenetic location: 2q35.
Variant type: single nucleotide variant.
Coding change: c.819C>T on transcript NM_006736.6 (MANE Select); coding-DNA position 819, C replaced by T.
Protein change: p.Pro273=; no amino-acid change (proline 273 retained).
Molecular consequence: synonymous variant.
Genome position (GRCh38, 1-based): chr2:219,284,831, C>T. VCF-style: chr2-219284831-C-T. GRCh37 (hg19) VCF-style: chr2-220149553-C-T.
Other names: c.819C>T, p.Pro273= (NM_001039550.2).
Identifiers: ClinVar variation 2083327 (VCV002083327.12), dbSNP rs766688134, ClinGen allele CA2123109.

ClinVar aggregate classification (germline): Likely benign. Review status: criteria provided, multiple submitters, no conflicts (2 of 4 stars). 2 submissions from 2 submitters: Likely benign (2). Last evaluated 2025-08-01.

Conditions:
Neuronopathy, distal hereditary motor, autosomal recessive 5. Also called: Young adult-onset distal hereditary motor neuropathy; NEUROPATHY, DISTAL HEREDITARY MOTOR, AUTOSOMAL RECESSIVE 5; Spinal muscular atrophy, distal, autosomal recessive, 5. Identifiers: Orphanet 314485, Orphanet 443950, MedGen C4749918, MONDO:0013947, OMIM 614881.

Allele frequency attached by ClinVar (database versions not stated): ExAC 0.00005; gnomAD 0.00001; TOPMed 0.00001; gnomAD exomes 0.00002.

Submissions (2):

CeGaT Center for Human Genetics Tuebingen
Classification: Likely benign. Last evaluated: 2025-08-01. Review status: criteria provided, single submitter. Criteria: CeGaT Center For Human Genetics Tuebingen Variant Classification Criteria Version 2. Collection method: clinical testing. Allele origin: germline. Affected: yes. Observed: 1 variant allele.
Comment: DNAJB2: BP4, BP7

Labcorp Genetics (formerly Invitae), Labcorp
Classification: Likely benign for Neuronopathy, distal hereditary motor, autosomal recessive 5. Last evaluated: 2025-06-15. Review status: criteria provided, single submitter. Criteria: Invitae Variant Classification Sherloc (09022015). Collection method: clinical testing. Allele origin: germline.